The following is an entry in ClinVar:

NM_001113491.2(SEPTIN9):c.250C>A (p.Arg84Ser)

Gene: SEPTIN9 (septin 9; plus strand). Cytogenetic location: 17q25.3.
Variant type: single nucleotide variant.
Coding change: c.250C>A on transcript NM_001113491.2 (MANE Select); coding-DNA position 250, C replaced by A.
Protein change: p.Arg84Ser; replaces arginine 84 with serine.
Molecular consequence: missense variant. On other transcripts: 5 prime UTR variant (2).
Genome position (GRCh38, 1-based): chr17:77,402,232, C>A. VCF-style: chr17-77402232-C-A. GRCh37 (hg19) VCF-style: chr17-75398314-C-A.
Other names: c.196C>A (NM_006640.4); c.-243C>A (NM_001113492.2, NM_001113494.1); c.229C>A, p.Arg77Ser (NM_001113493.2); c.193C>A, p.Arg65Ser (NM_001293695.2); c.196C>A, p.Arg66Ser (NM_006640.5); short protein forms R65S, R66S, R77S, R84S.
Identifiers: ClinVar variation 2445525 (VCV002445525.5), dbSNP rs770806810, ClinGen allele CA401205798.

ClinVar aggregate classification (germline): Uncertain significance. Review status: criteria provided, multiple submitters, no conflicts (2 of 4 stars). 2 submissions from 2 submitters: Uncertain significance (2). Last evaluated 2025-03-27.

Conditions:
Inborn genetic diseases. Identifiers: MedGen C0950123, MeSH D030342.

gnomAD v4.1: 22 of 1,613,508 alleles (0.0014%); highest among the groups gnomAD compares: Non-Finnish European, 0.0015%; no homozygotes.

Submissions (2):

Ambry Genetics
Classification: Uncertain significance for Inborn genetic diseases. Last evaluated: 2025-03-27. Review status: criteria provided, single submitter. Criteria: Ambry Variant Classification Scheme 2023. Collection method: clinical testing. Allele origin: germline.

Labcorp Genetics (formerly Invitae), Labcorp
Classification: Uncertain significance. Last evaluated: 2022-02-08. Review status: criteria provided, single submitter. Criteria: Invitae Variant Classification Sherloc (09022015). Collection method: clinical testing. Allele origin: germline.
Comment: This variant is not present in population databases (gnomAD no frequency). This sequence change replaces arginine, which is basic and polar, with serine, which is neutral and polar, at codon 66 of the SEPT9 protein (p.Arg66Ser). This variant has not been reported in the literature in individuals affected with SEPT9-related conditions. In summary, the available evidence is currently insufficient to determine the role of this variant in disease. Therefore, it has been classified as a Variant of Uncertain Significance. Algorithms developed to predict the effect of missense changes on protein structure and function are either unavailable or do not agree on the potential impact of this missense change (SIFT: "Deleterious"; PolyPhen-2: "Possibly Damaging"; Align-GVGD: "Class C0").